The following is an entry in ClinVar:

ClinVar aggregate classification (germline): Uncertain significance (1 of 4 stars; one submission).

Submission:

Labcorp Genetics (formerly Invitae), Labcorp
Classification: Uncertain significance. Last evaluated: 2022-04-11. Review status: criteria provided, single submitter. Criteria: Invitae Variant Classification Sherloc (09022015). Collection method: clinical testing. Allele origin: germline.
Comment: This variant has not been reported in the literature in individuals affected with ADGRE2-related conditions. This variant is present in population databases (no rsID available, gnomAD 0.003%). Algorithms developed to predict the effect of missense changes on protein structure and function are either unavailable or do not agree on the potential impact of this missense change (SIFT: "Tolerated"; PolyPhen-2: "Probably Damaging"; Align-GVGD: "Class C0"). In summary, the available evidence is currently insufficient to determine the role of this variant in disease. Therefore, it has been classified as a Variant of Uncertain Significance. This sequence change replaces glycine, which is neutral and non-polar, with arginine, which is basic and polar, at codon 99 of the ADGRE2 protein (p.Gly99Arg).

NM_013447.4(ADGRE2):c.295G>A (p.Gly99Arg)

Gene: ADGRE2 (adhesion G protein-coupled receptor E2; minus strand). Cytogenetic location: 19p13.12.
Variant type: single nucleotide variant.
Coding change: c.295G>A on transcript NM_013447.4 (MANE Select); coding-DNA position 295, G replaced by A.
Protein change: p.Gly99Arg; replaces glycine 99 with arginine.
Molecular consequence: missense variant.
Genome position (GRCh38, 1-based): chr19:14,772,402, C>T on the plus strand (G>A on the coding strand, the complement: ADGRE2 is on the minus strand). VCF-style: chr19-14772402-C-T. GRCh37 (hg19) VCF-style: chr19-14883214-C-T.
Other names: c.295G>A, p.Gly99Arg (NM_001271052.1, NM_152916.2, NM_152917.2); short protein forms G99R.
Identifiers: ClinVar variation 1955635 (VCV001955635.5), dbSNP rs1316691934, ClinGen allele CA404463914.